The following is an entry in ClinVar:

ClinVar aggregate classification (germline): Uncertain significance. Review status: criteria provided, multiple submitters, no conflicts (2 of 4 stars). 2 submissions from 2 submitters: Uncertain significance (2). Last evaluated 2024-12-06.

Conditions:
Hereditary cancer-predisposing syndrome. Also called: Neoplastic Syndromes, Hereditary; Tumor predisposition; Hereditary Cancer Syndrome; Hereditary neoplastic syndrome. Identifiers: Orphanet 140162, MedGen C0027672, MeSH D009386, MONDO:0015356.

Submissions (2):

Ambry Genetics
Classification: Uncertain significance for Hereditary cancer-predisposing syndrome. Last evaluated: 2024-12-06. Review status: criteria provided, single submitter. Criteria: Ambry Variant Classification Scheme 2023. Collection method: clinical testing. Allele origin: germline.
Comment: The p.E524D variant (also known as c.1572G>T), located in coding exon 10 of the RAD50 gene, results from a G to T substitution at nucleotide position 1572. The glutamic acid at codon 524 is replaced by aspartic acid, an amino acid with highly similar properties. This amino acid position is highly conserved in available vertebrate species. In addition, the in silico prediction for this alteration is inconclusive. Since supporting evidence is limited at this time, the clinical significance of this alteration remains unclear.

Labcorp Genetics (formerly Invitae), Labcorp
Classification: Uncertain significance for Hereditary cancer-predisposing syndrome. Last evaluated: 2020-11-21. Review status: criteria provided, single submitter. Criteria: Invitae Variant Classification Sherloc (09022015). Collection method: clinical testing. Allele origin: germline.
Comment: In summary, the available evidence is currently insufficient to determine the role of this variant in disease. Therefore, it has been classified as a Variant of Uncertain Significance. Algorithms developed to predict the effect of missense changes on protein structure and function are either unavailable or do not agree on the potential impact of this missense change (SIFT: "Tolerated"; PolyPhen-2: "Possibly Damaging"; Align-GVGD: "Class C0"). This variant has not been reported in the literature in individuals with RAD50-related conditions. ClinVar contains an entry for this variant (Variation ID: 482143). This variant is not present in population databases (ExAC no frequency). This sequence change replaces glutamic acid with aspartic acid at codon 524 of the RAD50 protein (p.Glu524Asp). The glutamic acid residue is moderately conserved and there is a small physicochemical difference between glutamic acid and aspartic acid.

NM_005732.4(RAD50):c.1572G>T (p.Glu524Asp)

Gene: RAD50 (RAD50 double strand break repair protein; plus strand). Cytogenetic location: 5q31.1.
Variant type: single nucleotide variant.
Coding change: c.1572G>T on transcript NM_005732.4 (MANE Select); coding-DNA position 1572, G replaced by T.
Protein change: p.Glu524Asp; replaces glutamic acid 524 with aspartic acid.
Molecular consequence: missense variant.
Genome position (GRCh38, 1-based): chr5:132,591,343, G>T. VCF-style: chr5-132591343-G-T. GRCh37 (hg19) VCF-style: chr5-131927035-G-T.
Other names: short protein forms E524D.
Identifiers: ClinVar variation 482143 (VCV000482143.16), dbSNP rs1554098419, ClinGen allele CA360945952.